The following is an entry in ClinVar:

ClinVar aggregate classification (germline): Uncertain significance. Review status: criteria provided, multiple submitters, no conflicts (2 of 4 stars). 2 submissions from 2 submitters: Uncertain significance (2). Last evaluated 2025-02-20.

Conditions:
Inborn genetic diseases. Identifiers: MedGen C0950123, MeSH D030342.
Autosomal recessive nonsyndromic hearing loss 3. Also called: NEUROSENSORY NONSYNDROMIC RECESSIVE DEAFNESS 3. Identifiers: Orphanet 90636, MedGen C1838263, MONDO:0010860, OMIM 600316.

gnomAD v4.1: 4 of 1,614,050 alleles (0.00025%); highest among the groups gnomAD compares: South Asian, 0.0033%; no homozygotes.

Submissions (2):

Ambry Genetics
Classification: Uncertain significance for Inborn genetic diseases. Last evaluated: 2025-02-20. Review status: criteria provided, single submitter. Criteria: Ambry Variant Classification Scheme 2023. Collection method: clinical testing. Allele origin: germline.

3billion
Classification: Uncertain significance for Autosomal recessive nonsyndromic hearing loss 3. Last evaluated: 2024-12-18. Review status: criteria provided, single submitter. Criteria: ACMG Guidelines, 2015. Collection method: clinical testing. Allele origin: germline. Affected: yes.
Comment: The variant is observed at an extremely low frequency in the gnomAD v4.1.0 dataset (total allele frequency: <0.001%). Predicted Consequence/Location: Missense variant. The majority of the known disease-causing variants of this gene are variants expected to result in premature termination of the protein. In silico tool predictions suggest damaging effect of the variant on gene or gene product [3Cnet: 0.87 (>=0.6, sensitivity 0.72 and precision 0.9)]. Therefore, this variant is classified as VUS according to the recommendation of ACMG/AMP guideline.

NM_016239.4(MYO15A):c.7186G>C (p.Asp2396His)

Gene: MYO15A (myosin XVA; plus strand). Cytogenetic location: 17p11.2.
Variant type: single nucleotide variant.
Coding change: c.7186G>C on transcript NM_016239.4 (MANE Select); coding-DNA position 7186, G replaced by C.
Protein change: p.Asp2396His; replaces aspartic acid 2396 with histidine.
Molecular consequence: missense variant.
Genome position (GRCh38, 1-based): chr17:18,149,554, G>C. VCF-style: chr17-18149554-G-C. GRCh37 (hg19) VCF-style: chr17-18052868-G-C.
Other names: short protein forms D2396H.
Identifiers: ClinVar variation 3876681 (VCV003876681.2).